The following is an entry in ClinVar:

ClinVar aggregate classification (germline): Conflicting classifications of pathogenicity. Review status: criteria provided, conflicting classifications (1 of 4 stars). 3 submissions from 3 submitters: Uncertain significance (1); Likely benign (2). Last evaluated 2026-06-30.

Conditions:
TTN-related disorder. Also called: TTN-related disorders; TTN-related condition; TTN-related disease.
Cardiovascular phenotype. Identifiers: MedGen CN230736.

Allele frequency attached by ClinVar (database versions not stated): gnomAD exomes below 0.00001; TOPMed 0.00002; gnomAD 0.00003.
gnomAD v4.1: 12 of 1,613,382 alleles (0.00074%); highest among the groups gnomAD compares: African/African-American, 0.004%; no homozygotes.

Submissions (3):

PreventionGenetics, part of Exact Sciences
Classification: Uncertain significance for TTN-related condition. Last evaluated: 2026-06-30. Review status: criteria provided, single submitter. Criteria: ACMG Guidelines, 2015. Collection method: clinical testing. Allele origin: germline.
Comment: The TTN c.79078C>T variant is predicted to result in the amino acid substitution p.Arg26360Cys. To our knowledge, this variant has not been reported in the literature. This variant is reported in 0.0097% of alleles in individuals of Ashkenazi Jewish descent in gnomAD. At this time, the clinical significance of this variant is uncertain due to the absence of conclusive functional and genetic evidence.

Molecular Diagnostic Laboratory for Inherited Cardiovascular Disease, Montreal Heart Institute
Classification: Likely benign. Last evaluated: 2025-04-09. Review status: criteria provided, single submitter. Criteria: ACMG Guidelines, 2015. Collection method: clinical testing. Allele origin: germline. Affected: no.
Comment: BP1;BP6

Ambry Genetics
Classification: Likely benign for Cardiovascular phenotype. Last evaluated: 2020-05-22. Review status: criteria provided, single submitter. Criteria: Ambry Variant Classification Scheme 2023. Collection method: clinical testing. Allele origin: germline.

NM_001267550.2(TTN):c.79078C>T (p.Arg26360Cys)

Genes: TTN (titin; minus strand), TTN-AS1 (TTN antisense RNA 1; plus strand). Cytogenetic location: 2q31.2.
Variant type: single nucleotide variant.
Coding change: c.79078C>T on transcript NM_001267550.2 (MANE Select); coding-DNA position 79078, C replaced by T.
Protein change: p.Arg26360Cys; replaces arginine 26360 with cysteine.
Molecular consequence: missense variant.
Genome position (GRCh38, 1-based): chr2:178,567,054, G>A on the plus strand (C>T on the coding strand, the complement: TTN is on the minus strand). VCF-style: chr2-178567054-G-A. GRCh37 (hg19) VCF-style: chr2-179431781-G-A.
Other names: c.74155C>T, p.Arg24719Cys (NM_001256850.1); c.51883C>T, p.Arg17295Cys (NM_003319.4); c.71374C>T, p.Arg23792Cys (NM_133378.4); c.52258C>T, p.Arg17420Cys (NM_133432.3); c.52459C>T, p.Arg17487Cys (NM_133437.4); short protein forms R24719C, R23792C, R17295C, R17420C, R26360C, R17487C.
Identifiers: ClinVar variation 1745889 (VCV001745889.4), dbSNP rs889825410, ClinGen allele CA60990923.
Genomic context (GRCh38, chr2:178,567,054, plus strand): 5'-TTAGTACTGGTGCAGATTCCAAAGGCTCTCCAACACCATATTTGTTGACAGCCATTATAC[G>A]GAAAACATATTCATTACCTTCTAAGAGTTTGGTAACTTTCAGAGAATTGGTCACAACTTC-3'
Protein context (NP_001254479.2, residues 26350-26370): KLLEGNEYVF[Arg26360Cys]IMAVNKYGVG